The following is an entry in ClinVar:

ClinVar aggregate classification (germline): Likely benign. Review status: criteria provided, multiple submitters, no conflicts (2 of 4 stars). 2 submissions from 2 submitters: Likely benign (2). Last evaluated 2025-09-28.

Conditions:
CHARGE syndrome (CHARGE). Also called: Coloboma, heart anomaly, choanal atresia, retardation, genital and ear anomalies; CHARGE association; Hall-Hittner syndrome; Hittner Hirsch Kreh syndrome; CHARGE ASSOCIATION--COLOBOMA, HEART ANOMALY, CHOANAL ATRESIA, RETARDATION, GENITAL AND EAR ANOMALIES. Identifiers: Orphanet 138, MedGen C0265354, MONDO:0008965.
CHD7-related disorder. Also called: CHD7-related condition.

Allele frequency attached by ClinVar (database versions not stated): TOPMed 0.00001; gnomAD exomes 0.00002 and 0.00007; ExAC 0.00006; gnomAD 0.00008 and 0.00009.
gnomAD v4.1: 41 of 1,613,788 alleles (0.0025%); highest among the groups gnomAD compares: Non-Finnish European, 0.00059%; no homozygotes.

Submissions (2):

PreventionGenetics, part of Exact Sciences
Classification: Likely benign for CHD7-related condition. Last evaluated: 2025-09-28. Review status: criteria provided, single submitter. Criteria: ACMG Guidelines, 2015. Collection method: clinical testing. Allele origin: germline.
Comment: This variant is classified as likely benign based on ACMG/AMP sequence variant interpretation guidelines (Richards et al. 2015 PMID: 25741868, with internal and published modifications).

Labcorp Genetics (formerly Invitae), Labcorp
Classification: Likely benign for CHARGE syndrome. Last evaluated: 2022-06-27. Review status: criteria provided, single submitter. Criteria: Invitae Variant Classification Sherloc (09022015). Collection method: clinical testing. Allele origin: germline.

NM_017780.4(CHD7):c.698G>A (p.Gly233Asp)

Gene: CHD7 (chromodomain helicase DNA binding protein 7; plus strand). Cytogenetic location: 8q12.2.
Variant type: single nucleotide variant.
Coding change: c.698G>A on transcript NM_017780.4 (MANE Select); coding-DNA position 698, G replaced by A.
Protein change: p.Gly233Asp; replaces glycine 233 with aspartic acid.
Molecular consequence: missense variant.
Genome position (GRCh38, 1-based): chr8:60,742,130, G>A. VCF-style: chr8-60742130-G-A. GRCh37 (hg19) VCF-style: chr8-61654689-G-A.
Other names: c.698G>A (NM_017780.3); c.698G>A, p.Gly233Asp (NM_001316690.1); short protein forms G233D.
Identifiers: ClinVar variation 1559381 (VCV001559381.9), dbSNP rs778249500, ClinGen allele CA4759361.